The following is an entry in ClinVar:

ClinVar aggregate classification (germline): Uncertain significance (1 of 4 stars; one submission).

Conditions:
Inborn genetic diseases. Identifiers: MedGen C0950123, MeSH D030342.

Submission:

Ambry Genetics
Classification: Uncertain significance for Inborn genetic diseases. Last evaluated: 2025-02-06. Review status: criteria provided, single submitter. Criteria: Ambry Variant Classification Scheme 2023. Collection method: clinical testing. Allele origin: germline.
Comment: The p.M632V variant (also known as c.1894A>G), located in coding exon 12 of the BMPR2 gene, results from an A to G substitution at nucleotide position 1894. The methionine at codon 632 is replaced by valine, an amino acid with highly similar properties. This amino acid position is conserved. In addition, this alteration is predicted to be tolerated by in silico analysis. Based on the available evidence, the clinical significance of this variant remains unclear.

NM_001204.7(BMPR2):c.1894A>G (p.Met632Val)

Gene: BMPR2 (bone morphogenetic protein receptor type 2; plus strand). Cytogenetic location: 2q33.2.
Variant type: single nucleotide variant.
Coding change: c.1894A>G on transcript NM_001204.7 (MANE Select); coding-DNA position 1894, A replaced by G.
Protein change: p.Met632Val; replaces methionine 632 with valine.
Molecular consequence: missense variant.
Genome position (GRCh38, 1-based): chr2:202,555,559, A>G. VCF-style: chr2-202555559-A-G. GRCh37 (hg19) VCF-style: chr2-203420282-A-G.
Other names: short protein forms M632V.
Identifiers: ClinVar variation 3824886 (VCV003824886.1).